The following is an entry in ClinVar:

NM_020708.5(SLC12A5):c.289A>T (p.Met97Leu)

Gene: SLC12A5 (solute carrier family 12 member 5; plus strand). Cytogenetic location: 20q13.12.
Variant type: single nucleotide variant.
Coding change: c.289A>T on transcript NM_020708.5 (MANE Select); coding-DNA position 289, A replaced by T.
Protein change: p.Met97Leu; replaces methionine 97 with leucine.
Molecular consequence: missense variant.
Genome position (GRCh38, 1-based): chr20:46,035,786, A>T. VCF-style: chr20-46035786-A-T. GRCh37 (hg19) VCF-style: chr20-44664425-A-T.
Other names: c.358A>T, p.Met120Leu (NM_001134771.2); short protein forms M97L, M120L.
Identifiers: ClinVar variation 2096809 (VCV002096809.5), dbSNP rs2515633022, ClinGen allele CA409187488.
Genomic context (GRCh38, chr20:46,035,786, plus strand): 5'-GGTGTTCGTAATGATGAGGACTGCAGAGACTGATGCTGGCCTCCCTGGCAGGCCCCACGC[A>T]TGGGCACCTTCATGGGCGTGTACCTGCCGTGCCTGCAGAACATCTTTGGCGTCATCCTCT-3'
Protein context (NP_065759.1, residues 87-107): GKKKPVQAPR[Met97Leu]GTFMGVYLPC

ClinVar aggregate classification (germline): Uncertain significance. Review status: criteria provided, multiple submitters, no conflicts (2 of 4 stars). 2 submissions from 2 submitters: Uncertain significance (2). Last evaluated 2024-11-22.

Conditions:
Developmental and epileptic encephalopathy, 34 (DEE34). Also called: SLC12A5-Related Epilepsy of Infancy with Migrating Focal Seizures; Early infantile epileptic encephalopathy 34. Identifiers: Orphanet 293181, MedGen C4225257, MONDO:0014718, OMIM 616645.

Allele frequency attached by ClinVar (database versions not stated): gnomAD exomes below 0.00001.
gnomAD v4.1: 1 of 1,613,020 alleles (0.000062%); highest among the groups gnomAD compares: Non-Finnish European, 0.000085%; no homozygotes.

Submissions (2):

Blueprint Genetics
Classification: Uncertain significance. Last evaluated: 2024-11-22. Review status: criteria provided, single submitter. Criteria: ACMG Guidelines, 2015. Collection method: clinical testing. Allele origin: germline.

Labcorp Genetics (formerly Invitae), Labcorp
Classification: Uncertain significance for Developmental and epileptic encephalopathy, 34. Last evaluated: 2022-03-04. Review status: criteria provided, single submitter. Criteria: Invitae Variant Classification Sherloc (09022015). Collection method: clinical testing. Allele origin: germline.
Comment: This sequence change replaces methionine, which is neutral and non-polar, with leucine, which is neutral and non-polar, at codon 97 of the SLC12A5 protein (p.Met97Leu). This variant is not present in population databases (gnomAD no frequency). This variant has not been reported in the literature in individuals affected with SLC12A5-related conditions. Advanced modeling of protein sequence and biophysical properties (such as structural, functional, and spatial information, amino acid conservation, physicochemical variation, residue mobility, and thermodynamic stability) performed at Invitae indicates that this missense variant is not expected to disrupt SLC12A5 protein function. In summary, the available evidence is currently insufficient to determine the role of this variant in disease. Therefore, it has been classified as a Variant of Uncertain Significance.